The following is an entry in ClinVar:

NM_015909.4(NBAS):c.1341+2T>C

Gene: NBAS (NBAS subunit of NRZ tethering complex; minus strand). Cytogenetic location: 2p24.3.
Variant type: single nucleotide variant.
Coding change: c.1341+2T>C on transcript NM_015909.4 (MANE Select); the canonical splice donor site of the intron after coding-DNA position 1341, T replaced by C.
Molecular consequence: splice donor variant.
Genome position (GRCh38, 1-based): chr2:15,475,685, A>G on the plus strand (T>C on the coding strand, the complement: NBAS is on the minus strand). VCF-style: chr2-15475685-A-G. GRCh37 (hg19) VCF-style: chr2-15615809-A-G.
Identifiers: ClinVar variation 2102889 (VCV002102889.4), dbSNP rs2528146464, ClinGen allele CA345890200.

ClinVar aggregate classification (germline): Likely pathogenic (1 of 4 stars; one submission).

Submission:

Labcorp Genetics (formerly Invitae), Labcorp
Classification: Likely pathogenic. Last evaluated: 2022-03-14. Review status: criteria provided, single submitter. Criteria: Invitae Variant Classification Sherloc (09022015). Collection method: clinical testing. Allele origin: germline.
Comment: This variant has not been reported in the literature in individuals affected with NBAS-related conditions. This variant is not present in population databases (gnomAD no frequency). This sequence change affects a donor splice site in intron 14 of the NBAS gene. It is expected to disrupt RNA splicing. Variants that disrupt the donor or acceptor splice site typically lead to a loss of protein function (PMID: 16199547), and loss-of-function variants in NBAS are known to be pathogenic (PMID: 26073778, 26541327, 27789416, 28031453). In summary, the currently available evidence indicates that the variant is pathogenic, but additional data are needed to prove that conclusively. Therefore, this variant has been classified as Likely Pathogenic. Algorithms developed to predict the effect of sequence changes on RNA splicing suggest that this variant may disrupt the consensus splice site.

Literature cited by the submitters: PubMed 16199547; PubMed 26073778; PubMed 26541327; PubMed 27789416; PubMed 28031453.